The following is an entry in ClinVar:

NM_014727.3(KMT2B):c.5077-6T>C

Gene: KMT2B (lysine methyltransferase 2B; plus strand). Cytogenetic location: 19q13.12.
Variant type: single nucleotide variant.
Coding change: c.5077-6T>C on transcript NM_014727.3 (MANE Select); 6 bases into the intron before coding-DNA position 5077, T replaced by C.
Molecular consequence: intron variant.
Genome position (GRCh38, 1-based): chr19:35,730,336, T>C. VCF-style: chr19-35730336-T-C. GRCh37 (hg19) VCF-style: chr19-36221237-T-C.
Identifiers: ClinVar variation 787139 (VCV000787139.16), dbSNP rs58280237, ClinGen allele CA9385314.

ClinVar aggregate classification (germline): Likely benign. Review status: criteria provided, multiple submitters, no conflicts (2 of 4 stars). 4 submissions from 4 submitters: Likely benign (3). 1 of the submissions does not count toward it. Last evaluated 2026-02-01.

Conditions:
KMT2B-related disorder. Also called: KMT2B-related disorders; KMT2B-related condition. Identifiers: MedGen CN381338.

Allele frequency attached by ClinVar (database versions not stated): gnomAD exomes 0.00010 and 0.00020; ExAC 0.00019; 1000 Genomes Project 0.00020; 1000 Genomes Project 30x 0.00047; gnomAD 0.00082 and 0.00091; TOPMed 0.00088; ESP Exome Variant Server 0.00107.
gnomAD v4.1: 271 of 1,609,866 alleles (0.017%); highest among the groups gnomAD compares: African/African-American, 0.33%; 2 homozygotes.

Submissions (4):

CeGaT Center for Human Genetics Tuebingen
Classification: Likely benign. Last evaluated: 2026-02-01. Review status: criteria provided, single submitter. Criteria: CeGaT Center For Human Genetics Tuebingen Variant Classification Criteria Version 2. Collection method: clinical testing. Allele origin: germline. Affected: yes. Observed: 1 variant allele.
Comment: KMT2B: BP4

Labcorp Genetics (formerly Invitae), Labcorp
Classification: Likely benign. Last evaluated: 2026-01-12. Review status: criteria provided, single submitter. Criteria: Invitae Variant Classification Sherloc (09022015). Collection method: clinical testing. Allele origin: germline.

Blueprint Genetics
Classification: Likely benign. Last evaluated: 2024-10-16. Review status: criteria provided, single submitter. Criteria: ACMG Guidelines, 2015. Collection method: clinical testing. Allele origin: germline.

PreventionGenetics, part of Exact Sciences
Classification: Likely benign for KMT2B-related condition. Last evaluated: 2019-07-01. Review status: no assertion criteria provided. Collection method: clinical testing. Allele origin: germline. Not counted in ClinVar's aggregate classification.
Comment: This variant is classified as likely benign based on ACMG/AMP sequence variant interpretation guidelines (Richards et al. 2015 PMID: 25741868, with internal and published modifications).